The following is an entry in ClinVar:

NM_002095.6(GTF2E2):c.549+6C>T

Gene: GTF2E2 (general transcription factor IIE subunit 2; minus strand). Cytogenetic location: 8p12.
Variant type: single nucleotide variant.
Coding change: c.549+6C>T on transcript NM_002095.6 (MANE Select); 6 bases into the intron after coding-DNA position 549, C replaced by T.
Molecular consequence: intron variant.
Genome position (GRCh38, 1-based): chr8:30,612,293, G>A on the plus strand (C>T on the coding strand, the complement: GTF2E2 is on the minus strand). VCF-style: chr8-30612293-G-A. GRCh37 (hg19) VCF-style: chr8-30469810-G-A.
Other names: c.549+6C>T (NM_001348353.1).
Identifiers: ClinVar variation 1509605 (VCV001509605.6), dbSNP rs759244825, ClinGen allele CA2573142801.
Genomic context (GRCh38, chr8:30,612,293, plus strand): 5'-TTTTAAAACCAAGAAGTCATTATTCATTCAAATTATATTAAGACATAGAAAGAAAAGAGA[G>A]ATTACCTTGACAGCTTTCTGGGAATTGGGCAGTGCTTCTTCTATGTCTTCTAAAAGAATT-3'

ClinVar aggregate classification (germline): Uncertain significance (1 of 4 stars; one submission).

Submission:

Labcorp Genetics (formerly Invitae), Labcorp
Classification: Uncertain significance. Last evaluated: 2022-08-23. Review status: criteria provided, single submitter. Criteria: Invitae Variant Classification Sherloc (09022015). Collection method: clinical testing. Allele origin: germline.
Comment: In summary, the available evidence is currently insufficient to determine the role of this variant in disease. Therefore, it has been classified as a Variant of Uncertain Significance. This sequence change falls in intron 5 of the GTF2E2 gene. It does not directly change the encoded amino acid sequence of the GTF2E2 protein. It affects a nucleotide within the consensus splice site. This variant is not present in population databases (gnomAD no frequency). This variant has not been reported in the literature in individuals affected with GTF2E2-related conditions. ClinVar contains an entry for this variant (Variation ID: 1509605). Variants that disrupt the consensus splice site are a relatively common cause of aberrant splicing (PMID: 17576681, 9536098). Algorithms developed to predict the effect of sequence changes on RNA splicing suggest that this variant is not likely to affect RNA splicing.

Literature cited by the submitters: PubMed 17576681; PubMed 9536098.